The following is an entry in ClinVar:

NM_004588.5(SCN2B):c.140G>A (p.Arg47His)

Gene: SCN2B (sodium voltage-gated channel beta subunit 2; minus strand). Cytogenetic location: 11q23.3.
Variant type: single nucleotide variant.
Coding change: c.140G>A on transcript NM_004588.5 (MANE Select); coding-DNA position 140, G replaced by A.
Protein change: p.Arg47His; replaces arginine 47 with histidine.
Molecular consequence: missense variant.
Genome position (GRCh38, 1-based): chr11:118,168,682, C>T on the plus strand (G>A on the coding strand, the complement: SCN2B is on the minus strand). VCF-style: chr11-118168682-C-T. GRCh37 (hg19) VCF-style: chr11-118039397-C-T.
Other names: short protein forms R47H.
Identifiers: ClinVar variation 408875 (VCV000408875.11), dbSNP rs17121818, ClinGen allele CA6300517.

ClinVar aggregate classification (germline): Conflicting classifications of pathogenicity. Review status: criteria provided, conflicting classifications (1 of 4 stars). 4 submissions from 4 submitters: Uncertain significance (3); Likely benign (1). Last evaluated 2026-08-06.

Conditions:
Cardiovascular phenotype. Identifiers: MedGen CN230736.
Atrial fibrillation, familial, 14 (ATFB14). Identifiers: MedGen C3809312, MONDO:0014156, OMIM 615378.

Allele frequency attached by ClinVar (database versions not stated): gnomAD 0.00006 and 0.00007; TOPMed 0.00007; ExAC 0.00008; gnomAD exomes 0.00008; ESP Exome Variant Server 0.00015; 1000 Genomes Project 30x 0.00016; 1000 Genomes Project 0.00020.
gnomAD v4.1: 96 of 1,614,222 alleles (0.0059%); highest among the groups gnomAD compares: Middle Eastern, 0.033%; no homozygotes.

Submissions (4):

OLLIN Analises Genomicas, OLLIN
Classification: Uncertain significance for Atrial fibrillation, familial, 14. Last evaluated: 2026-08-06. Review status: criteria provided, single submitter. Criteria: ACMG Guidelines 2015 PMID 25741868. Collection method: clinical testing. Allele origin: germline.
Comment: This missense variant, located in exon 2 (of 4), has been reported in ClinVar (accession VCV000408875.10) and in gnomAD with an allele frequency of 0.0059%. However, to our knowledge, it has not been reported in the scientific literature. In silico analysis is inconclusive regarding the impact of this variant. According to the currently available evidence, this variant has been classified as uncertain significance (BS1).

Labcorp Genetics (formerly Invitae), Labcorp
Classification: Uncertain significance for Atrial fibrillation, familial, 14. Last evaluated: 2025-12-31. Review status: criteria provided, single submitter. Criteria: Invitae Variant Classification Sherloc (09022015). Collection method: clinical testing. Allele origin: germline.
Comment: This sequence change replaces arginine, which is basic and polar, with histidine, which is basic and polar, at codon 47 of the SCN2B protein (p.Arg47His). This variant is present in population databases (rs17121818, gnomAD 0.06%), and has an allele count higher than expected for a pathogenic variant. This variant has not been reported in the literature in individuals affected with SCN2B-related conditions. ClinVar contains an entry for this variant (Variation ID: 408875). An algorithm developed to predict the effect of missense changes on protein structure and function (PolyPhen-2) suggests that this variant is likely to be disruptive. In summary, the available evidence is currently insufficient to determine the role of this variant in disease. Therefore, it has been classified as a Variant of Uncertain Significance.

Ambry Genetics
Classification: Likely benign for Cardiovascular phenotype. Last evaluated: 2022-09-19. Review status: criteria provided, single submitter. Criteria: Ambry Variant Classification Scheme 2023. Collection method: clinical testing. Allele origin: germline.

Fulgent Genetics
Classification: Uncertain significance for Atrial fibrillation, familial, 14. Last evaluated: 2021-08-25. Review status: criteria provided, single submitter. Criteria: ACMG Guidelines, 2015. Collection method: clinical testing. Allele origin: unknown.

Literature cited by the submitters: PubMed 17623065 (cited by Ambry Genetics).